The following is an entry in ClinVar:

ClinVar aggregate classification (germline): Benign. Review status: criteria provided, multiple submitters, no conflicts (2 of 4 stars). 8 submissions from 7 submitters: Benign (8). Last evaluated 2026-02-04.

Conditions:
Fibromuscular dysplasia, multifocal. Identifiers: MedGen C5543412, MONDO:0859151, OMIM 619329.
Ehlers-Danlos syndrome, classic type, 1 (EDSCL1). Also called: Ehlers-Danlos syndrome, type 1; Ehlers-Danlos Syndrome, Classic Type, COL5A1-Related; EDS I; EHLERS-DANLOS SYNDROME, GRAVIS TYPE; EHLERS-DANLOS SYNDROME, SEVERE CLASSIC TYPE. Identifiers: MedGen C0268335, MONDO:0019567, OMIM 130000.

Allele frequency attached by ClinVar (database versions not stated): 1000 Genomes Project 0.01597; gnomAD 0.01606 and 0.01710; TOPMed 0.01759; gnomAD exomes 0.00454; 1000 Genomes Project 30x 0.01811; ExAC 0.00550; ESP Exome Variant Server 0.01730.
gnomAD v4.1: 5,069 of 1,567,832 alleles (0.32%); highest among the groups gnomAD compares: African/African-American, 5.4%; 121 homozygotes.

Submissions (8):

Labcorp Genetics (formerly Invitae), Labcorp
Classification: Benign for Ehlers-Danlos syndrome, classic type, 1. Last evaluated: 2026-02-04. Review status: criteria provided, single submitter. Criteria: Invitae Variant Classification Sherloc (09022015). Collection method: clinical testing. Allele origin: germline.

ARUP Laboratories, Molecular Genetics and Genomics, ARUP Laboratories
Classification: Benign. Last evaluated: 2023-08-11. Review status: criteria provided, single submitter. Criteria: ARUP Molecular Germline Variant Investigation Process 2024. Collection method: clinical testing. Allele origin: germline.

Women's Health and Genetics/Laboratory Corporation of America, LabCorp
Classification: Benign. Last evaluated: 2023-07-21. Review status: criteria provided, single submitter. Criteria: LabCorp Variant Classification Summary - May 2015. Collection method: clinical testing. Allele origin: germline.

Genome-Nilou Lab
Classification: Benign for Ehlers-Danlos syndrome, classic type, 1. Last evaluated: 2022-03-15. Review status: criteria provided, single submitter. Criteria: ACMG Guidelines, 2015. Collection method: clinical testing. Allele origin: germline. Affected: no.

Genome-Nilou Lab
Classification: Benign for Fibromuscular dysplasia, multifocal. Last evaluated: 2022-03-15. Review status: criteria provided, single submitter. Criteria: ACMG Guidelines, 2015. Collection method: clinical testing. Allele origin: germline. Affected: no.

GeneDx
Classification: Benign. Last evaluated: 2013-04-15. Review status: criteria provided, single submitter. Criteria: GeneDx Variant Classification (06012015). Collection method: clinical testing. Allele origin: germline. Affected: yes.
Comment: This variant is considered likely benign or benign based on one or more of the following criteria: it is a conservative change, it occurs at a poorly conserved position in the protein, it is predicted to be benign by multiple in silico algorithms, and/or has population frequency not consistent with disease.

Breakthrough Genomics
Classification: Benign. Review status: criteria provided, single submitter. Criteria: ACMG Guidelines, 2015. Collection method: not provided. Allele origin: germline. Inheritance: Autosomal dominant inheritance. Affected: yes.

PreventionGenetics, part of Exact Sciences
Classification: Benign. Review status: criteria provided, single submitter. Criteria: ACMG Guidelines, 2015. Collection method: clinical testing. Allele origin: germline.

NM_000093.5(COL5A1):c.4955-16C>T

Genes: COL5A1 (collagen type V alpha 1 chain; plus strand), LOC101448202 (uncharacterized LOC101448202; minus strand). Cytogenetic location: 9q34.3.
Variant type: single nucleotide variant.
Coding change: c.4955-16C>T on transcript NM_000093.5 (MANE Select); 16 bases into the intron before coding-DNA position 4955, C replaced by T.
Molecular consequence: intron variant.
Genome position (GRCh38, 1-based): chr9:134,825,776, C>T. VCF-style: chr9-134825776-C-T. GRCh37 (hg19) VCF-style: chr9-137717622-C-T.
Other names: c.4955-16C>T (NM_001278074.1).
Identifiers: ClinVar variation 136905 (VCV000136905.22), dbSNP rs112712705, ClinGen allele CA290303.